The following is an entry in ClinVar:

ClinVar aggregate classification (germline): Uncertain significance (1 of 4 stars; one submission).

Submission:

GeneDx
Classification: Uncertain significance. Last evaluated: 2025-02-22. Review status: criteria provided, single submitter. Criteria: GeneDx Variant Classification Process June 2021. Collection method: clinical testing. Allele origin: germline. Affected: yes.
Comment: Not observed at significant frequency in large population cohorts (gnomAD); In silico analysis indicates that this missense variant does not alter protein structure/function; Has not been previously published as pathogenic or benign to our knowledge

NM_013314.4(BLNK):c.1280G>A (p.Arg427Lys)

Genes: BLNK (B cell linker; minus strand), ZNF518A (zinc finger protein 518A; plus strand). Cytogenetic location: 10q24.1.
Variant type: single nucleotide variant.
Coding change: c.1280G>A on transcript NM_013314.4 (MANE Select); coding-DNA position 1280, G replaced by A.
Protein change: p.Arg427Lys; replaces arginine 427 with lysine.
Molecular consequence: missense variant. On other transcripts: non-coding transcript variant (4).
Genome position (GRCh38, 1-based): chr10:96,192,064, C>T on the plus strand (G>A on the coding strand, the complement: BLNK is on the minus strand). VCF-style: chr10-96192064-C-T. GRCh37 (hg19) VCF-style: chr10-97951820-C-T.
Other names: c.1211G>A, p.Arg404Lys (NM_001114094.2); c.1124G>A, p.Arg375Lys (NM_001258440.2); c.1055G>A, p.Arg352Lys (NM_001258441.2); c.809G>A, p.Arg270Lys (NM_001258442.2); short protein forms R270K, R352K, R375K, R404K, R427K.
Identifiers: ClinVar variation 4076929 (VCV004076929.1).
Genomic context (GRCh38, chr10:96,192,064, plus strand): 5'-GTGGAATCTTTTGTGTTATTCTGACTGTCAATAAGAACCAAAGGACTATGTTGATGATTC[C>T]TGATGATTTCAGCAACACTTCCAAAGTACTAGAGGAAGAAAACATAGATGAATTATACTT-3'
Protein context (NP_037446.1, residues 417-437): EYFGSVAEII[Arg427Lys]NHQHSPLVLI